The following is an entry in ClinVar:

NM_000528.4(MAN2B1):c.2492_2499del (p.Glu831fs)

Gene: MAN2B1 (mannosidase alpha class 2B member 1; minus strand). Cytogenetic location: 19p13.13.
Variant type: Deletion.
Coding change: c.2492_2499del on transcript NM_000528.4 (MANE Select); coding-DNA positions 2492 to 2499, 8 bases deleted (AGAACGGG; older notation c.2492_2499delAGAACGGG).
Protein change: p.Glu831fs; shifts the reading frame from glutamic acid 831.
Molecular consequence: frameshift variant.
Genome position (GRCh38, 1-based): chr19:12,648,340-12,648,347, CCCGTTCT deleted on the plus strand (AGAACGGG on the coding strand, the reverse complement: MAN2B1 is on the minus strand); deleting any 8 consecutive bases within chr19:12,648,340-12,648,349 gives the same sequence; the c. name uses the placement nearest the transcript's 3' end. VCF-style (leftmost placement, unchanged base first): chr19-12648339-ACCCGTTCT-A. GRCh37 (hg19) VCF-style: chr19-12759153-ACCCGTTCT-A.
Other names: c.2489_2496del, p.Glu830fs (NM_001173498.2); short protein forms E830fs, E831fs.
Identifiers: ClinVar variation 1726038 (VCV001726038.2), dbSNP rs2512486743, ClinGen allele CA2580096674.

ClinVar aggregate classification (germline): Likely pathogenic (1 of 4 stars; one submission).

Conditions:
Deficiency of alpha-mannosidase (MANSA). Also called: Mannosidosis, alpha-, types I and II; LYSOSOMAL ALPHA-D-MANNOSIDASE DEFICIENCY; Alpha-Mannosidosis. Identifiers: Orphanet 61, MedGen C0024748, MONDO:0009561, OMIM 248500.

Submission:

Myriad Genetics, Inc.
Classification: Likely pathogenic for Deficiency of alpha-mannosidase. Last evaluated: 2022-05-08. Review status: criteria provided, single submitter. Criteria: Myriad Women's Health Autosomal Recessive and X-Linked Classification Criteria (2021). Collection method: clinical testing. Allele origin: unknown.
Comment: NM_000528.3(MAN2B1):c.2492_2499del8(E831Vfs*97) is expected to be pathogenic in the context of alpha-mannosidosis. This variant is predicted to lead to an abnormal or absent protein product due to the creation of a premature termination codon in MAN2B1, a gene where loss-of-function variants are known to be pathogenic. Please note: this variant was assessed in the context of healthy population screening.